The following is an entry in ClinVar:

ClinVar aggregate classification (germline): Uncertain significance (1 of 4 stars; one submission).

Submission:

Labcorp Genetics (formerly Invitae), Labcorp
Classification: Uncertain significance. Last evaluated: 2022-08-10. Review status: criteria provided, single submitter. Criteria: Invitae Variant Classification Sherloc (09022015). Collection method: clinical testing. Allele origin: germline.
Comment: In summary, the available evidence is currently insufficient to determine the role of this variant in disease. Therefore, it has been classified as a Variant of Uncertain Significance. Experimental studies and prediction algorithms are not available or were not evaluated, and the functional significance of this variant is currently unknown. ClinVar contains an entry for this variant (Variation ID: 1466272). This variant has not been reported in the literature in individuals affected with MIR96-related conditions. This variant is not present in population databases (gnomAD no frequency). This variant occurs in the MIR96 gene, which encodes an RNA molecule that does not result in a protein product.

NC_000007.14:g.129774766G>A

Gene: MIR96 (microRNA 96; minus strand). Cytogenetic location: 7q32.2.
Variant type: single nucleotide variant.
Molecular consequence: non-coding transcript variant (on NR_029512.1).
Genome position: GRCh38 VCF-style: chr7-129774766-G-A. GRCh37 (hg19) VCF-style: chr7-129414606-G-A.
Identifiers: ClinVar variation 1466272 (VCV001466272.6), dbSNP rs2116157788, ClinGen allele CA457730612.